The following is an entry in ClinVar:

ClinVar aggregate classification (germline): Uncertain significance (1 of 4 stars; one submission).

Conditions:
Gastrointestinal stromal tumor. Also called: Gastrointestinal stromal tumor, somatic; Gastrointestinal stroma tumor. Identifiers: Orphanet 44890, MedGen C0238198, MeSH D046152, MONDO:0011719, OMIM 606764, HP:0100723.

Submission:

Labcorp Genetics (formerly Invitae), Labcorp
Classification: Uncertain significance for Gastrointestinal stromal tumor. Last evaluated: 2024-11-13. Review status: criteria provided, single submitter. Criteria: Invitae Variant Classification Sherloc (09022015). Collection method: clinical testing. Allele origin: germline.
Comment: This sequence change replaces asparagine, which is neutral and polar, with serine, which is neutral and polar, at codon 353 of the PDGFRA protein (p.Asn353Ser). This variant is not present in population databases (gnomAD no frequency). This variant has not been reported in the literature in individuals affected with PDGFRA-related conditions. ClinVar contains an entry for this variant (Variation ID: 2816493). Invitae Evidence Modeling of protein sequence and biophysical properties (such as structural, functional, and spatial information, amino acid conservation, physicochemical variation, residue mobility, and thermodynamic stability) indicates that this missense variant is not expected to disrupt PDGFRA protein function with a negative predictive value of 80%. In summary, the available evidence is currently insufficient to determine the role of this variant in disease. Therefore, it has been classified as a Variant of Uncertain Significance.

NM_006206.6(PDGFRA):c.1058A>G (p.Asn353Ser)

Gene: PDGFRA (platelet derived growth factor receptor alpha; plus strand). Cytogenetic location: 4q12.
Variant type: single nucleotide variant.
Coding change: c.1058A>G on transcript NM_006206.6 (MANE Select); coding-DNA position 1058, A replaced by G.
Protein change: p.Asn353Ser; replaces asparagine 353 with serine.
Molecular consequence: missense variant.
Genome position (GRCh38, 1-based): chr4:54,267,678, A>G. VCF-style: chr4-54267678-A-G. GRCh37 (hg19) VCF-style: chr4-55133845-A-G.
Other names: c.1058A>G, p.Asn353Ser (NM_001347827.2, NM_001347829.2); c.1133A>G, p.Asn378Ser (NM_001347828.2); c.1097A>G, p.Asn366Ser (NM_001347830.2); short protein forms N378S, N353S, N366S.
Identifiers: ClinVar variation 2816493 (VCV002816493.3), dbSNP rs2475456260, ClinGen allele CA356891706.